The following is an entry in ClinVar:

ClinVar aggregate classification (germline): Conflicting classifications of pathogenicity. Review status: criteria provided, conflicting classifications (1 of 4 stars). 3 submissions from 3 submitters: Uncertain significance (1); Likely benign (2). Last evaluated 2026-01-06.

Conditions:
Cognitive impairment - coarse facies - heart defects - obesity - pulmonary involvement - short stature - skeletal dysplasia syndrome. Also called: COGNITIVE IMPAIRMENT, COARSE FACIES, HEART DEFECTS, OBESITY, PULMONARY INVOLVEMENT, SHORT STATURE, AND SKELETAL DYSPLASIA; Chops syndrome; AFF4-Related CHOPS Syndrome. Identifiers: Orphanet 444077, MedGen C4085597, MONDO:0014609, OMIM 616368.
AFF4-related disorder. Also called: AFF4-related condition.
Inborn genetic diseases. Identifiers: MedGen C0950123, MeSH D030342.

Allele frequency attached by ClinVar (database versions not stated): gnomAD 0.00002 and 0.00003; ExAC 0.00003; TOPMed 0.00004; gnomAD exomes 0.00008.
gnomAD v4.1: 60 of 1,613,890 alleles (0.0037%); highest among the groups gnomAD compares: East Asian, 0.022%; no homozygotes.

Submissions (3):

Labcorp Genetics (formerly Invitae), Labcorp
Classification: Uncertain significance for Cognitive impairment - coarse facies - heart defects - obesity - pulmonary involvement - short stature - skeletal dysplasia syndrome. Last evaluated: 2026-01-06. Review status: criteria provided, single submitter. Criteria: Invitae Variant Classification Sherloc (09022015). Collection method: clinical testing. Allele origin: germline.
Comment: This sequence change replaces alanine, which is neutral and non-polar, with threonine, which is neutral and polar, at codon 816 of the AFF4 protein (p.Ala816Thr). This variant is present in population databases (rs750323931, gnomAD 0.05%), and has an allele count higher than expected for a pathogenic variant. This variant has not been reported in the literature in individuals affected with AFF4-related conditions. ClinVar contains an entry for this variant (Variation ID: 1347626). Invitae Evidence Modeling of protein sequence and biophysical properties (such as structural, functional, and spatial information, amino acid conservation, physicochemical variation, residue mobility, and thermodynamic stability) indicates that this missense variant is not expected to disrupt AFF4 protein function with a negative predictive value of 80%. In summary, the available evidence is currently insufficient to determine the role of this variant in disease. Therefore, it has been classified as a Variant of Uncertain Significance.

PreventionGenetics, part of Exact Sciences
Classification: Likely benign for AFF4-related condition. Last evaluated: 2025-07-23. Review status: criteria provided, single submitter. Criteria: ACMG Guidelines, 2015. Collection method: clinical testing. Allele origin: germline.
Comment: This variant is classified as likely benign based on ACMG/AMP sequence variant interpretation guidelines (Richards et al. 2015 PMID: 25741868, with internal and published modifications).

Ambry Genetics
Classification: Likely benign for Inborn genetic diseases. Last evaluated: 2022-05-03. Review status: criteria provided, single submitter. Criteria: Ambry Variant Classification Scheme 2023. Collection method: clinical testing. Allele origin: germline.

NM_014423.4(AFF4):c.2446G>A (p.Ala816Thr)

Gene: AFF4 (ALF transcription elongation factor 4; minus strand). Cytogenetic location: 5q31.1.
Variant type: single nucleotide variant.
Coding change: c.2446G>A on transcript NM_014423.4 (MANE Select); coding-DNA position 2446, G replaced by A.
Protein change: p.Ala816Thr; replaces alanine 816 with threonine.
Molecular consequence: missense variant.
Genome position (GRCh38, 1-based): chr5:132,892,355, C>T on the plus strand (G>A on the coding strand, the complement: AFF4 is on the minus strand). VCF-style: chr5-132892355-C-T. GRCh37 (hg19) VCF-style: chr5-132228047-C-T.
Other names: c.2446G>A (NM_014423.3); short protein forms A816T.
Identifiers: ClinVar variation 1347626 (VCV001347626.11), dbSNP rs750323931, ClinGen allele CA3408920.
Genomic context (GRCh38, chr5:132,892,355, plus strand): 5'-TAATAGTCCTCTTCCGAGAGCCATGCTCTGTTTTTGGATCTTTTGAAGGAACAGGCCCAG[C>T]GGGAGAAGGCAACAAATCCTTTTCTTTTGCAGCACTCTGCTTAGATGACCTGCCAAACCA-3'
Protein context (NP_055238.1, residues 806-826): AKEKDLLPSP[Ala816Thr]GPVPSKDPKT